The following is an entry in ClinVar:

ClinVar aggregate classification (germline): Benign/Likely benign. Review status: criteria provided, multiple submitters, no conflicts (2 of 4 stars). 2 submissions from 2 submitters: Benign (1); Likely benign (1). Last evaluated 2026-07-01.

Conditions:
Sessile serrated polyposis cancer syndrome (SSPCS). Identifiers: Orphanet 157798, MedGen C4310714, MONDO:0014919, OMIM 617108.

gnomAD v4.1: 9 of 1,581,688 alleles (0.00057%); highest among the groups gnomAD compares: Non-Finnish European, 0.00077%; no homozygotes.

Submissions (2):

Myriad Genetics, Inc.
Classification: Benign for Sessile serrated polyposis cancer syndrome. Last evaluated: 2026-07-01. Review status: criteria provided, single submitter. Criteria: Myriad Autosomal Dominant, Autosomal Recessive and X-Linked Classification Criteria (2023). Collection method: clinical testing. Allele origin: unknown.
Comment: This variant is considered benign. This variant is a silent/synonymous amino acid change and it is not expected to impact splicing.

Ambry Genetics
Classification: Likely benign. Last evaluated: 2025-05-21. Review status: criteria provided, single submitter. Criteria: Ambry Variant Classification Scheme 2023. Collection method: clinical testing. Allele origin: germline.

NM_017763.6(RNF43):c.1179T>G (p.Ala393=)

Gene: RNF43 (ring finger protein 43; minus strand). Cytogenetic location: 17q22.
Variant type: single nucleotide variant.
Coding change: c.1179T>G on transcript NM_017763.6 (MANE Select); coding-DNA position 1179, T replaced by G.
Protein change: p.Ala393=; no amino-acid change (alanine 393 retained).
Molecular consequence: synonymous variant.
Genome position (GRCh38, 1-based): chr17:58,358,597, A>C on the plus strand (T>G on the coding strand, the complement: RNF43 is on the minus strand). VCF-style: chr17-58358597-A-C. GRCh37 (hg19) VCF-style: chr17-56435958-A-C.
Other names: c.1179T>G, p.Ala393= (NM_001305544.3); c.798T>G, p.Ala266= (NM_001305545.2).
Identifiers: ClinVar variation 3946906 (VCV003946906.2).